The following is an entry in ClinVar:

NM_004006.3(DMD):c.6955C>T (p.Gln2319Ter)

Gene: DMD (dystrophin; minus strand). Cytogenetic location: Xp21.1.
Variant type: single nucleotide variant.
Coding change: c.6955C>T on transcript NM_004006.3 (MANE Select); coding-DNA position 6955, C replaced by T.
Protein change: p.Gln2319Ter; replaces glutamine 2319 with a stop codon.
Molecular consequence: nonsense. On other transcripts: 5 prime UTR variant (5).
Genome position (GRCh38, 1-based): chrX:31,875,331, G>A on the plus strand (C>T on the coding strand, the complement: DMD is on the minus strand). VCF-style: chrX-31875331-G-A. GRCh37 (hg19) VCF-style: chrX-31893448-G-A.
Other names: c.6931C>T, p.Gln2311Ter (NM_000109.4); c.6943C>T, p.Gln2315Ter (NM_004009.3); c.6586C>T, p.Gln2196Ter (NM_004010.3); c.2932C>T, p.Gln978Ter (NM_004011.4); c.2923C>T, p.Gln975Ter (NM_004012.4); c.-426C>T (NM_004013.3, NM_004020.4, NM_004021.3 and 2 more transcripts); short protein forms Q2319*, Q975*, Q2196*, Q978*, Q2315*, Q2311*.
Identifiers: ClinVar variation 11220 (VCV000011220.14), dbSNP rs128625230, ClinGen allele CA341025.

ClinVar aggregate classification (germline): Pathogenic. Review status: criteria provided, multiple submitters, no conflicts (2 of 4 stars). 3 submissions from 3 submitters: Pathogenic (2). 1 of the submissions does not count toward it. Last evaluated 2020-07-23.

Conditions:
Duchenne muscular dystrophy (DMD). Also called: MUSCULAR DYSTROPHY, PSEUDOHYPERTROPHIC PROGRESSIVE, DUCHENNE TYPE; Duchenne Muscular Dystrophy (DMD). Identifiers: Orphanet 98896, MedGen C0013264, MONDO:0010679, OMIM 310200.

Submissions (3):

Revvity Omics, Revvity
Classification: Pathogenic. Last evaluated: 2020-07-23. Review status: criteria provided, single submitter. Criteria: ACMG Guidelines, 2015. Collection method: clinical testing. Allele origin: germline.

Labcorp Genetics (formerly Invitae), Labcorp
Classification: Pathogenic for Duchenne muscular dystrophy. Last evaluated: 2019-02-18. Review status: criteria provided, single submitter. Criteria: Invitae Variant Classification Sherloc (09022015). Collection method: clinical testing. Allele origin: germline.
Comment: For these reasons, this variant has been classified as Pathogenic. Loss-of-function variants in DMD are known to be pathogenic (PMID: 16770791, 25007885). This variant has been observed in a family affected with Duchenne muscular dystrophy (PMID: 1513469). This variant is also known as c.7163C>T in the literature. ClinVar contains an entry for this variant (Variation ID: 11220). This variant is not present in population databases (ExAC no frequency). This sequence change creates a premature translational stop signal (p.Gln2319*) in the DMD gene. It is expected to result in an absent or disrupted protein product.

OMIM
Classification: Pathogenic for DUCHENNE MUSCULAR DYSTROPHY. Last evaluated: 1992-09-01. Review status: no assertion criteria provided. Collection method: literature only. Allele origin: germline. Not counted in ClinVar's aggregate classification.

Literature cited by the submitters: PubMed 16770791 (cited by Labcorp Genetics (formerly Invitae), Labcorp); PubMed 25007885 (cited by Labcorp Genetics (formerly Invitae), Labcorp); PubMed 1513469 (cited by Labcorp Genetics (formerly Invitae), Labcorp and OMIM).